The following is an entry in ClinVar:

NM_198253.3(TERT):c.889C>G (p.Pro297Ala)

Gene: TERT (telomerase reverse transcriptase; minus strand). Cytogenetic location: 5p15.33.
Variant type: single nucleotide variant.
Coding change: c.889C>G on transcript NM_198253.3 (MANE Select); coding-DNA position 889, C replaced by G.
Protein change: p.Pro297Ala; replaces proline 297 with alanine.
Molecular consequence: missense variant. On other transcripts: non-coding transcript variant (2).
Genome position (GRCh38, 1-based): chr5:1,293,997, G>C on the plus strand (C>G on the coding strand, the complement: TERT is on the minus strand). VCF-style: chr5-1293997-G-C. GRCh37 (hg19) VCF-style: chr5-1294112-G-C.
Other names: c.889C>G, p.Pro297Ala (NM_001193376.3); short protein forms P297A.
Identifiers: ClinVar variation 3455206 (VCV003455206.1).

ClinVar aggregate classification (germline): Uncertain significance (1 of 4 stars; one submission).

Conditions:
Dyskeratosis congenita. Identifiers: Orphanet 1775, MedGen C0265965, MONDO:0015780.

Submission:

Ambry Genetics
Classification: Uncertain significance for Dyskeratosis congenita. Last evaluated: 2024-10-24. Review status: criteria provided, single submitter. Criteria: Ambry Variant Classification Scheme 2023. Collection method: clinical testing. Allele origin: germline.
Comment: The p.P297A variant (also known as c.889C>G), located in coding exon 2 of the TERT gene, results from a C to G substitution at nucleotide position 889. The proline at codon 297 is replaced by alanine, an amino acid with highly similar properties. This amino acid position is conserved. In addition, the in silico prediction for this alteration is inconclusive. Based on the available evidence, the clinical significance of this variant remains unclear.